The following is an entry in ClinVar:

ClinVar aggregate classification (germline): Likely benign. Review status: criteria provided, multiple submitters, no conflicts (2 of 4 stars). 4 submissions from 4 submitters: Likely benign (4). Last evaluated 2025-11-04.

Conditions:
WT1-related disorder. Also called: WT1-related disorders. Identifiers: MedGen CN377814.
Wilms tumor 1 (WT1). Also called: Wilms tumor, somatic. Identifiers: Orphanet 654, MedGen CN033288, MONDO:0008679, OMIM 194070.
Inborn genetic diseases. Identifiers: MedGen C0950123, MeSH D030342.
Drash syndrome (DDS). Also called: NEPHROPATHY, WILMS TUMOR, AND GENITAL ANOMALIES; WILMS TUMOR AND PSEUDO- OR TRUE HERMAPHRODITISM. Identifiers: Orphanet 220, MedGen C0950121, MONDO:0008682, OMIM 194080.
Frasier syndrome. Identifiers: Orphanet 347, MedGen C0950122, MeSH D052159, MONDO:0007635, OMIM 136680.
11p partial monosomy syndrome (WAGR). Also called: WAGR Spectrum Disorder; CHROMOSOME 11p13 DELETION SYNDROME; WAGR syndrome; WAGR Complex. Identifiers: Orphanet 893, MedGen C0206115, MONDO:0008681, OMIM 194072.

Allele frequency attached by ClinVar (database versions not stated): gnomAD below 0.00001 and 0.00001; gnomAD exomes 0.00008 and 0.00025; ExAC 0.00206.
gnomAD v4.1: 109 of 1,506,046 alleles (0.0072%); highest among the groups gnomAD compares: South Asian, 0.13%; 2 homozygotes.

Submissions (4):

PreventionGenetics, part of Exact Sciences
Classification: Likely benign for WT1-related condition. Last evaluated: 2025-11-04. Review status: criteria provided, single submitter. Criteria: ACMG Guidelines, 2015. Collection method: clinical testing. Allele origin: germline.
Comment: This variant is classified as likely benign based on ACMG/AMP sequence variant interpretation guidelines (Richards et al. 2015 PMID: 25741868, with internal and published modifications).

Labcorp Genetics (formerly Invitae), Labcorp
Classification: Likely benign for Wilms tumor 1; Drash syndrome; 11p partial monosomy syndrome; Frasier syndrome. Last evaluated: 2025-07-21. Review status: criteria provided, single submitter. Criteria: Invitae Variant Classification Sherloc (09022015). Collection method: clinical testing. Allele origin: germline.

Ambry Genetics
Classification: Likely benign for Inborn genetic diseases. Last evaluated: 2025-03-27. Review status: criteria provided, single submitter. Criteria: Ambry Variant Classification Scheme 2023. Collection method: clinical testing. Allele origin: germline.

All of Us Research Program, National Institutes of Health
Classification: Likely benign for Wilms tumor 1. Last evaluated: 2023-10-27. Review status: criteria provided, single submitter. Criteria: ACMG Guidelines, 2015. Collection method: clinical testing. Allele origin: germline. Inheritance: Autosomal dominant inheritance. Observed: 5 variant alleles, 5 heterozygotes.
Comment: This study involves interpretation of variants in research participants for the purpose of population health screening. Participant phenotype was not available at the time of variant classification. Additional details can be found in publication PMID: 35346344, PMCID: PMC8962531

NM_024426.6(WT1):c.259G>A (p.Ala87Thr)

Genes: WT1 (WT1 transcription factor; minus strand), LOC107982234 (WT1/WT1-AS bi-directional promoter region; plus strand). Cytogenetic location: 11p13.
Variant type: single nucleotide variant.
Coding change: c.259G>A on transcript NM_024426.6 (MANE Select); coding-DNA position 259, G replaced by A.
Protein change: p.Ala87Thr; replaces alanine 87 with threonine.
Molecular consequence: missense variant. On other transcripts: non-coding transcript variant (1).
Genome position (GRCh38, 1-based): chr11:32,435,102, C>T on the plus strand (G>A on the coding strand, the complement: WT1 is on the minus strand). VCF-style: chr11-32435102-C-T. GRCh37 (hg19) VCF-style: chr11-32456648-C-T.
Other names: c.259G>A, p.Ala87Thr (NM_000378.6, NM_024424.5); short protein forms A87T.
Identifiers: ClinVar variation 715223 (VCV000715223.15), dbSNP rs752686863, ClinGen allele CA064789.
Genomic context (GRCh38, chr11:32,435,102, plus strand): 5'-ACTGCGCCGCGCCGCTCACAGGCAGGGCACAGCCGCCGCCGCCACCCAGGGAGGGGACGG[C>T]GGGCAGCAGCGCGTTCAGGTCCCGCACGTCGGAGCCCATTTGCTGCGGCTCAGACCCGGA-3'
Protein context (NP_077744.4, residues 77-97): DVRDLNALLP[Ala87Thr]VPSLGGGGGC